The following is an entry in ClinVar:

NM_014271.4(IL1RAPL1):c.494G>A (p.Arg165His)

Gene: IL1RAPL1 (interleukin 1 receptor accessory protein like 1; plus strand). Cytogenetic location: Xp21.2.
Variant type: single nucleotide variant.
Coding change: c.494G>A on transcript NM_014271.4 (MANE Select); coding-DNA position 494, G replaced by A.
Protein change: p.Arg165His; replaces arginine 165 with histidine.
Molecular consequence: missense variant.
Genome position (GRCh38, 1-based): chrX:29,396,389, G>A. VCF-style: chrX-29396389-G-A. GRCh37 (hg19) VCF-style: chrX-29414506-G-A.
Other names: short protein forms R165H.
Identifiers: ClinVar variation 4778621 (VCV004778621.1).
Genomic context (GRCh38, chrX:29,396,389, plus strand): 5'-ATTCCAAGATGAAGTATTTTGAAAAAGCTGAACTTAGCAAAAGCAAGGAAATTTCATGCC[G>A]TGACATAGAGGATTTTCTACTGCCAACCAGAGAACCTGAAATCCTTTGGTACAAGGTATG-3'
Protein context (NP_055086.1, residues 155-175): ELSKSKEISC[Arg165His]DIEDFLLPTR

ClinVar aggregate classification (germline): Uncertain significance (1 of 4 stars; one submission).

gnomAD v4.1: 8 of 1,209,748 alleles (0.00066%); highest among the groups gnomAD compares: African/African-American, 0.007%; no homozygotes.

Submission:

Labcorp Genetics (formerly Invitae), Labcorp
Classification: Uncertain significance. Last evaluated: 2025-07-14. Review status: criteria provided, single submitter. Criteria: Invitae Variant Classification Sherloc (09022015). Collection method: clinical testing. Allele origin: germline.
Comment: This sequence change replaces arginine, which is basic and polar, with histidine, which is basic and polar, at codon 165 of the IL1RAPL1 protein (p.Arg165His). This variant is present in population databases (rs750140366, gnomAD 0.008%). This variant has not been reported in the literature in individuals affected with IL1RAPL1-related conditions. An algorithm developed to predict the effect of missense changes on protein structure and function (PolyPhen-2) suggests that this variant is likely to be tolerated. In summary, the available evidence is currently insufficient to determine the role of this variant in disease. Therefore, it has been classified as a Variant of Uncertain Significance.